The following is an entry in ClinVar:

NM_206926.2(SELENON):c.58C>T (p.Pro20Ser)

Gene: SELENON (selenoprotein N; plus strand). Cytogenetic location: 1p36.11.
Variant type: single nucleotide variant.
Coding change: c.58C>T on transcript NM_206926.2 (MANE Select); coding-DNA position 58, C replaced by T.
Protein change: p.Pro20Ser; replaces proline 20 with serine.
Molecular consequence: missense variant.
Genome position (GRCh38, 1-based): chr1:25,800,288, C>T. VCF-style: chr1-25800288-C-T. GRCh37 (hg19) VCF-style: chr1-26126779-C-T.
Other names: c.58C>T, p.Pro20Ser (NM_020451.3); short protein forms P20S.
Identifiers: ClinVar variation 1483960 (VCV001483960.6), dbSNP rs1329648911, ClinGen allele CA339105903.

ClinVar aggregate classification (germline): Uncertain significance. Review status: criteria provided, multiple submitters, no conflicts (2 of 4 stars). 2 submissions from 2 submitters: Uncertain significance (2). Last evaluated 2024-02-24.

Conditions:
Eichsfeld type congenital muscular dystrophy (CMYO3). Also called: MYOPATHY, SEPN1-RELATED; SELENON-related myopathy; Congenital myopathy 3 with rigid spine; Rigid spine muscular dystrophy 1. Identifiers: MedGen C0410180, MONDO:0100100, OMIM 602771.

Allele frequency attached by ClinVar (database versions not stated): TOPMed 0.00001; gnomAD exomes below 0.00001.
gnomAD v4.1: 2 of 987,532 alleles (0.0002%); highest among the groups gnomAD compares: Non-Finnish European, 0.00024%; no homozygotes.

Submissions (2):

Labcorp Genetics (formerly Invitae), Labcorp
Classification: Uncertain significance for Eichsfeld type congenital muscular dystrophy. Last evaluated: 2024-02-24. Review status: criteria provided, single submitter. Criteria: Invitae Variant Classification Sherloc (09022015). Collection method: clinical testing. Allele origin: germline.
Comment: This sequence change replaces proline, which is neutral and non-polar, with serine, which is neutral and polar, at codon 20 of the SELENON protein (p.Pro20Ser). The frequency data for this variant in the population databases is considered unreliable, as metrics indicate insufficient coverage at this position in the gnomAD database. This variant has not been reported in the literature in individuals affected with SELENON-related conditions. ClinVar contains an entry for this variant (Variation ID: 1483960). Advanced modeling of protein sequence and biophysical properties (such as structural, functional, and spatial information, amino acid conservation, physicochemical variation, residue mobility, and thermodynamic stability) performed at Invitae indicates that this missense variant is not expected to disrupt SELENON protein function with a negative predictive value of 95%. In summary, the available evidence is currently insufficient to determine the role of this variant in disease. Therefore, it has been classified as a Variant of Uncertain Significance.

Revvity Omics, Revvity
Classification: Uncertain significance for Eichsfeld type congenital muscular dystrophy. Last evaluated: 2023-06-27. Review status: criteria provided, single submitter. Criteria: ACMG Guidelines, 2015. Collection method: clinical testing. Allele origin: germline.